The following is an entry in ClinVar:

NM_203446.3(SYNJ1):c.*92T>C

Gene: SYNJ1 (synaptojanin 1; minus strand). Cytogenetic location: 21q22.11.
Variant type: single nucleotide variant.
Coding change: c.*92T>C on transcript NM_203446.3 (MANE Select); 92 bases downstream of the stop codon, T replaced by C.
Molecular consequence: 3 prime UTR variant. On other transcripts: missense variant (2).
Genome position (GRCh38, 1-based): chr21:32,631,713, A>G on the plus strand (T>C on the coding strand, the complement: SYNJ1 is on the minus strand). VCF-style: chr21-32631713-A-G. GRCh37 (hg19) VCF-style: chr21-34004023-A-G.
Other names: c.*92T>C (NM_001160302.2); c.3863T>C, p.Val1288Ala (NM_001160306.2); c.4121T>C, p.Val1374Ala (NM_003895.4); short protein forms V1374A, V1288A.
Identifiers: ClinVar variation 2115776 (VCV002115776.4), dbSNP rs2517275305, ClinGen allele CA410083105.

ClinVar aggregate classification (germline): Uncertain significance (1 of 4 stars; one submission).

Conditions:
Developmental and epileptic encephalopathy, 53. Also called: Epileptic encephalopathy, early infantile, 53. Identifiers: MedGen C4479313, MONDO:0033362, OMIM 617389.
Early-onset Parkinson disease 20. Also called: PARKINSON DISEASE 20, AUTOSOMAL RECESSIVE EARLY-ONSET. Identifiers: Orphanet 391411, MedGen C3809824, MONDO:0014233, OMIM 615530.

Allele frequency attached by ClinVar (database versions not stated): gnomAD exomes below 0.00001.
gnomAD v4.1: 1 of 1,614,234 alleles (0.000062%); highest among the groups gnomAD compares: Non-Finnish European, 0.000085%; no homozygotes.

Submission:

Labcorp Genetics (formerly Invitae), Labcorp
Classification: Uncertain significance for Developmental and epileptic encephalopathy, 53; Early-onset Parkinson disease 20. Last evaluated: 2022-03-22. Review status: criteria provided, single submitter. Criteria: Invitae Variant Classification Sherloc (09022015). Collection method: clinical testing. Allele origin: germline.
Comment: This variant has not been reported in the literature in individuals affected with SYNJ1-related conditions. In summary, the available evidence is currently insufficient to determine the role of this variant in disease. Therefore, it has been classified as a Variant of Uncertain Significance. Algorithms developed to predict the effect of missense changes on protein structure and function (SIFT, PolyPhen-2, Align-GVGD) all suggest that this variant is likely to be tolerated. This variant is not present in population databases (gnomAD no frequency). This sequence change replaces valine, which is neutral and non-polar, with alanine, which is neutral and non-polar, at codon 1374 of the SYNJ1 protein (p.Val1374Ala).